The following is an entry in ClinVar:

NM_002185.5(IL7R):c.41T>C (p.Leu14Ser)

Gene: IL7R (interleukin 7 receptor; plus strand). Cytogenetic location: 5p13.2.
Variant type: single nucleotide variant.
Coding change: c.41T>C on transcript NM_002185.5 (MANE Select); coding-DNA position 41, T replaced by C.
Protein change: p.Leu14Ser; replaces leucine 14 with serine.
Molecular consequence: missense variant. On other transcripts: non-coding transcript variant (1).
Genome position (GRCh38, 1-based): chr5:35,857,018, T>C. VCF-style: chr5-35857018-T-C. GRCh37 (hg19) VCF-style: chr5-35857120-T-C.
Other names: NM_002185.5(IL7R):c.41T>C; p.Leu14Ser; short protein forms L14S.
Identifiers: ClinVar variation 1683587 (VCV001683587.2), dbSNP rs1759661333, ClinGen allele CA359425853.
Genomic context (GRCh38, chr5:35,857,018, plus strand): 5'-CTCTCTCTATCTCTCTCAGAATGACAATTCTAGGTACAACTTTTGGCATGGTTTTTTCTT[T>C]ACTTCAAGTCGTTTCTGGAGAAAGTGGCTATGCTCAAAATGGTGAGTCATTTCTAAGTTT-3'
Protein context (NP_002176.2, residues 4-24): LGTTFGMVFS[Leu14Ser]LQVVSGESGY

ClinVar aggregate classification (germline): Uncertain significance. Review status: reviewed by expert panel (3 of 4 stars). 2 submissions from 2 submitters: Uncertain significance (1). 1 of the submissions does not count toward it. Last evaluated 2024-04-01.

Conditions:
Immunodeficiency 104. Also called: Severe combined immunodeficiency, autosomal recessive, T cell-negative, B cell-positive, NK cell-positive; SCID, AUTOSOMAL RECESSIVE, T CELL-NEGATIVE, B CELL-POSITIVE, NK CELL-POSITIVE; Severe Combined Immune Deficiency, Autosomal Recessive, TCell -Negative, B Cell-Positive, NK Cell-Positive, IL7R-Related; IMMUNODEFICIENCY 104, SEVERE COMBINED. Identifiers: MedGen C5676890, MONDO:0012163, OMIM 608971.

Allele frequency attached by ClinVar (database versions not stated): gnomAD exomes below 0.00001.
gnomAD v4.1: 1 of 1,610,502 alleles (0.000062%); highest among the groups gnomAD compares: South Asian, 0.0011%; no homozygotes.

Submissions (2):

ClinGen Severe Combined Immunodeficiency Variant Curation Expert Panel, ClinGen
Classification: Uncertain significance for Immunodeficiency 104. Last evaluated: 2024-04-01. Review status: reviewed by expert panel. Criteria: ClinGen SCID ACMG Specifications IL7R V1.0.0. Collection method: curation. Allele origin: germline. Inheritance: Autosomal recessive inheritance.
Comment: NM_002185.5(IL7R):c.41T>C is a missense variant predicted to cause substitution of Leucine by Serine at amino acid 14 (p.Leu14Ser). The highest population minor allele frequency in gnomAD v4 is 0.00001160 (1/86214 alleles) in South Asian population, which is lower than the ClinGen SCID VCEP threshold (<0.00004129) for PM2_Supporting, meeting this criterion (PM2_Supporting). Patient P1 was found homozygous for this mutation (0.5 pt.) (PM3_supporting) (PMID: 33599911).Patient with SCID (0.5 pt.) and exome sequencing conducted (0.5 pt.) (total :1 pt.) (PP4) (PMID: 33599911). In summary, this variant meets the criteria to be classified as a variant of uncertain significance for autosomal recessive severe combined immunodeficiency due to IL7R deficiency based on the ACMG/AMP criteria applied, as specified by the ClinGen SCID VCEP: PM2_Supporting, PM3_supporting, PP4(VCEP specifications version 1).

Laboratorio de Genetica e Diagnostico Molecular, Hospital Israelita Albert Einstein
Classification: Likely pathogenic for Immunodeficiency 104. Last evaluated: 2021-12-01. Review status: criteria provided, single submitter. Criteria: ACMG Guidelines, 2015. Collection method: clinical testing. Allele origin: germline. Affected: yes. Not counted in ClinVar's aggregate classification.
Comment: ACMG classification criteria: PS4 supporting, PM2 moderate, PM3 moderate, PP4 supporting